The following is an entry in ClinVar:

ClinVar aggregate classification (germline): Benign. Review status: criteria provided, multiple submitters, no conflicts (2 of 4 stars). 6 submissions from 4 submitters: Benign (6). Last evaluated 2021-05-15.

Conditions:
Fibromatosis, gingival, 1 (GINGF1). Identifiers: Orphanet 2024, MedGen C4551558, MONDO:0007609, OMIM 135300.
Noonan syndrome 4 (NS4). Also called: SOS1-Related Noonan Syndrome; NOONAN SYNDROME WITH PIGMENTED VILLONODULAR SYNOVITIS. Identifiers: Orphanet 648, MedGen C1853120, MONDO:0012547, OMIM 610733.

Allele frequency attached by ClinVar (database versions not stated): 1000 Genomes Project 30x 0.73438; 1000 Genomes Project 0.74661; TOPMed 0.77470; gnomAD 0.79060 and 0.79504.

Submissions (6):

GeneDx
Classification: Benign. Last evaluated: 2021-05-15. Review status: criteria provided, single submitter. Criteria: GeneDx Variant Classification Process June 2021. Collection method: clinical testing. Allele origin: germline. Affected: yes.

Illumina Laboratory Services, Illumina
Classification: Benign for Fibromatosis, gingival, 1. Last evaluated: 2018-01-13. Review status: criteria provided, single submitter. Criteria: ICSL Variant Classification Criteria 13 December 2019. Collection method: clinical testing. Allele origin: germline.
Comment: This variant was observed in the ICSL laboratory as part of a predisposition screen in an ostensibly healthy population. It had not been previously curated by ICSL or reported in the Human Gene Mutation Database (HGMD: prior to June 1st, 2018), and was therefore a candidate for classification through an automated scoring system. Utilizing variant allele frequency, disease prevalence and penetrance estimates, and inheritance mode, an automated score was calculated to assess if this variant is too frequent to cause the disease. Based on the score and internal cut-off values, a variant classified as benign is not then subjected to further curation. The score for this variant resulted in a classification of benign for this disease.

Illumina Laboratory Services, Illumina
Classification: Benign for Noonan syndrome 4. Last evaluated: 2018-01-13. Review status: criteria provided, single submitter. Criteria: ICSL Variant Classification Criteria 13 December 2019. Collection method: clinical testing. Allele origin: germline.
Comment: the same text as in the submission from Illumina Laboratory Services, Illumina above.

Breakthrough Genomics
Classification: Benign. Review status: criteria provided, single submitter. Criteria: ACMG Guidelines, 2015. Collection method: not provided. Allele origin: germline. Inheritance: Autosomal dominant inheritance. Affected: yes.

Genome-Nilou Lab
Classification: Benign for Noonan syndrome 4. Review status: criteria provided, single submitter. Criteria: ACMG Guidelines, 2015. Collection method: clinical testing. Allele origin: germline.

Genome-Nilou Lab
Classification: Benign for Fibromatosis, gingival, 1. Review status: criteria provided, single submitter. Criteria: ACMG Guidelines, 2015. Collection method: clinical testing. Allele origin: germline.

NM_005633.4(SOS1):c.*3539T>C

Gene: SOS1 (SOS Ras/Rac guanine nucleotide exchange factor 1; minus strand). Cytogenetic location: 2p22.1.
Variant type: single nucleotide variant.
Coding change: c.*3539T>C on transcript NM_005633.4 (MANE Select); 3539 bases downstream of the stop codon, T replaced by C.
Molecular consequence: 3 prime UTR variant.
Genome position (GRCh38, 1-based): chr2:38,982,285, A>G on the plus strand (T>C on the coding strand, the complement: SOS1 is on the minus strand). VCF-style: chr2-38982285-A-G. GRCh37 (hg19) VCF-style: chr2-39209426-A-G.
Other names: c.*3539T>C (NM_001382394.1, NM_001382395.1).
Identifiers: ClinVar variation 335973 (VCV000335973.9), dbSNP rs1037495, ClinGen allele CA10613794.